The following is an entry in ClinVar:

ClinVar aggregate classification (germline): Uncertain significance (1 of 4 stars; one submission).

Submission:

Ambry Genetics
Classification: Uncertain significance. Last evaluated: 2023-07-27. Review status: criteria provided, single submitter. Criteria: Ambry Variant Classification Scheme 2023. Collection method: clinical testing. Allele origin: germline.
Comment: The p.G640R variant (also known as c.1918G>A), located in coding exon 14 of the RECQL gene, results from a G to A substitution at nucleotide position 1918. The glycine at codon 640 is replaced by arginine, an amino acid with dissimilar properties. This amino acid position is conserved. In addition, this alteration is predicted to be tolerated by in silico analysis. Since supporting evidence is limited at this time, the clinical significance of this alteration remains unclear.

NM_002907.4(RECQL):c.1918G>A (p.Gly640Arg)

Genes: PYROXD1 (pyridine nucleotide-disulphide oxidoreductase domain 1; plus strand), RECQL (RecQ like helicase; minus strand). Cytogenetic location: 12p12.1.
Variant type: single nucleotide variant.
Coding change: c.1918G>A on transcript NM_002907.4 (MANE Select); coding-DNA position 1918, G replaced by A.
Protein change: p.Gly640Arg; replaces glycine 640 with arginine.
Molecular consequence: missense variant. On other transcripts: 3 prime UTR variant (3).
Genome position (GRCh38, 1-based): chr12:21,470,226, C>T on the plus strand (G>A on the coding strand, the complement: RECQL is on the minus strand). VCF-style: chr12-21470226-C-T. GRCh37 (hg19) VCF-style: chr12-21623160-C-T.
Other names: c.1918G>A, p.Gly640Arg (NM_032941.3); c.*1472C>T (NM_001350912.2, NM_001350913.2, NM_024854.5); short protein forms G640R.
Identifiers: ClinVar variation 2586011 (VCV002586011.2), dbSNP rs2540304445, ClinGen allele CA384113548.
Genomic context (GRCh38, chr12:21,470,226, plus strand): 5'-TTAATTAGAAAATTTAGTAACATTCATATCAGGCATCATCGATTTTTCTTTTCTTAGCTC[C>T]TGTATTCTTAGAACCAGATTGCTGAAGCATGTTTGCAGCCTTCTTCTGGAAGTTGCCTGA-3'
Protein context (NP_002898.2, residues 630-649): MLQQSGSKNT[Gly640Arg]AKKRKIDDA